The following is an entry in ClinVar:

ClinVar aggregate classification (germline): Uncertain significance. Review status: criteria provided, multiple submitters, no conflicts (2 of 4 stars). 2 submissions from 2 submitters: Uncertain significance (2). Last evaluated 2025-07-10.

Conditions:
Hereditary cancer-predisposing syndrome. Also called: Neoplastic Syndromes, Hereditary; Tumor predisposition; Hereditary neoplastic syndrome; Hereditary Cancer Syndrome. Identifiers: Orphanet 140162, MedGen C0027672, MeSH D009386, MONDO:0015356.
Renal cell carcinoma. Identifiers: Orphanet 217071, MedGen C0007134, MeSH D002292, MONDO:0005086, HP:0005584.

Allele frequency attached by ClinVar (database versions not stated): gnomAD exomes below 0.00001.
gnomAD v4.1: 1 of 1,614,188 alleles (0.000062%); highest among the groups gnomAD compares: Admixed American, 0.0017%; no homozygotes.

Submissions (2):

Ambry Genetics
Classification: Uncertain significance for Hereditary cancer-predisposing syndrome. Last evaluated: 2025-07-10. Review status: criteria provided, single submitter. Criteria: Ambry Variant Classification Scheme 2023. Collection method: clinical testing. Allele origin: germline.
Comment: The p.H1086Q variant (also known as c.3258T>G), located in coding exon 14 of the MET gene, results from a T to G substitution at nucleotide position 3258. The histidine at codon 1086 is replaced by glutamine, an amino acid with highly similar properties. This variant was reported in individual(s) with features consistent with MET-related papillary renal cell carcinoma (Ambry internal data). This amino acid position is highly conserved in available vertebrate species. In addition, the in silico prediction for this alteration is inconclusive. Based on the available evidence, the clinical significance of this variant remains unclear.

Labcorp Genetics (formerly Invitae), Labcorp
Classification: Uncertain significance for Renal cell carcinoma. Last evaluated: 2024-03-03. Review status: criteria provided, single submitter. Criteria: Invitae Variant Classification Sherloc (09022015). Collection method: clinical testing. Allele origin: germline.
Comment: This sequence change replaces histidine, which is basic and polar, with glutamine, which is neutral and polar, at codon 1086 of the MET protein (p.His1086Gln). This variant is present in population databases (no rsID available, gnomAD 0.003%). This variant has not been reported in the literature in individuals affected with MET-related conditions. ClinVar contains an entry for this variant (Variation ID: 1353332). Advanced modeling of protein sequence and biophysical properties (such as structural, functional, and spatial information, amino acid conservation, physicochemical variation, residue mobility, and thermodynamic stability) performed at Invitae indicates that this missense variant is expected to disrupt MET protein function with a positive predictive value of 80%. In summary, the available evidence is currently insufficient to determine the role of this variant in disease. Therefore, it has been classified as a Variant of Uncertain Significance.

NM_000245.4(MET):c.3204T>G (p.His1068Gln)

Gene: MET (MET proto-oncogene, receptor tyrosine kinase; plus strand). Cytogenetic location: 7q31.2.
Variant type: single nucleotide variant.
Coding change: c.3204T>G on transcript NM_000245.4 (MANE Select); coding-DNA position 3204, T replaced by G.
Protein change: p.His1068Gln; replaces histidine 1068 with glutamine.
Molecular consequence: missense variant.
Genome position (GRCh38, 1-based): chr7:116,775,056, T>G. VCF-style: chr7-116775056-T-G. GRCh37 (hg19) VCF-style: chr7-116415110-T-G.
Other names: c.3258T>G, p.His1086Gln (NM_001127500.3); c.1914T>G, p.His638Gln (NM_001324402.2); short protein forms H1086Q, H638Q, H1068Q.
Identifiers: ClinVar variation 1353332 (VCV001353332.9), dbSNP rs1397743069, ClinGen allele CA368988623.